The following is an entry in ClinVar:

ClinVar aggregate classification (germline): Uncertain significance (1 of 4 stars; one submission).

Conditions:
Inborn genetic diseases. Identifiers: MedGen C0950123, MeSH D030342.

Submission:

Ambry Genetics
Classification: Uncertain significance for Inborn genetic diseases. Last evaluated: 2025-09-07. Review status: criteria provided, single submitter. Criteria: Ambry Variant Classification Scheme 2023. Collection method: clinical testing. Allele origin: germline.
Comment: The p.K729E variant (also known as c.2185A>G), located in coding exon 13 of the PIK3CA gene, results from an A to G substitution at nucleotide position 2185. The lysine at codon 729 is replaced by glutamic acid, an amino acid with similar properties. This amino acid position is conserved. In addition, this alteration is predicted to be deleterious by in silico analysis. Based on the available evidence, the clinical significance of this variant remains unclear.

NM_006218.4(PIK3CA):c.2185A>G (p.Lys729Glu)

Gene: PIK3CA (phosphatidylinositol-4,5-bisphosphate 3-kinase catalytic subunit alpha; plus strand). Cytogenetic location: 3q26.32.
Variant type: single nucleotide variant.
Coding change: c.2185A>G on transcript NM_006218.4 (MANE Select); coding-DNA position 2185, A replaced by G.
Protein change: p.Lys729Glu; replaces lysine 729 with glutamic acid.
Molecular consequence: missense variant.
Genome position (GRCh38, 1-based): chr3:179,221,155, A>G. VCF-style: chr3-179221155-A-G. GRCh37 (hg19) VCF-style: chr3-178938943-A-G.
Other names: short protein forms K729E.
Identifiers: ClinVar variation 4136821 (VCV004136821.1).